The following is an entry in ClinVar:

ClinVar aggregate classification (germline): Benign/Likely benign. Review status: criteria provided, multiple submitters, no conflicts (2 of 4 stars). 8 submissions from 8 submitters: Benign (1); Likely benign (7). Last evaluated 2026-08-07.

Conditions:
SMAD4-related disorder. Also called: SMAD4-Related disorders; SMAD4-related condition.
Juvenile polyposis syndrome (JPS). Identifiers: Orphanet 2929, MedGen C0345893, MONDO:0017380, OMIM 174900.
Familial thoracic aortic aneurysm and aortic dissection (TAAD). Also called: Thoracic aortic aneurysms and dissections. Identifiers: Orphanet 91387, MedGen C4707243, MONDO:0019625.
Hereditary cancer-predisposing syndrome. Also called: Tumor predisposition; Hereditary neoplastic syndrome; Neoplastic Syndromes, Hereditary; Hereditary Cancer Syndrome. Identifiers: Orphanet 140162, MedGen C0027672, MeSH D009386, MONDO:0015356.
Juvenile polyposis/hereditary hemorrhagic telangiectasia syndrome (JPHT). Also called: Juvenile Polyposis Syndrome / Hereditary Hemorrhagic Telangiectasia (JPS/HHT); JP/HHT SYNDROME; JUVENILE POLYPOSIS WITH HEREDITARY HEMORRHAGIC TELANGIECTASIA; POLYPOSIS, GENERALIZED JUVENILE, WITH PULMONARY ARTERIOVENOUS MALFORMATION; TELANGIECTASIA, HEREDITARY HEMORRHAGIC, WITH JUVENILE POLYPOSIS COLI. Identifiers: Orphanet 2929, MedGen C1832942, MONDO:0008278, OMIM 175050.

Allele frequency attached by ClinVar (database versions not stated): ExAC 0.00001; gnomAD 0.00001; gnomAD exomes 0.00001.
gnomAD v4.1: 6 of 1,613,890 alleles (0.00037%); highest among the groups gnomAD compares: Admixed American, 0.0033%; no homozygotes.

Submissions (8):

PreventionGenetics, part of Exact Sciences
Classification: Likely benign for SMAD4-related condition. Last evaluated: 2026-08-07. Review status: criteria provided, single submitter. Criteria: ACMG Guidelines, 2015. Collection method: clinical testing. Allele origin: germline.
Comment: This variant is classified as likely benign based on ACMG/AMP sequence variant interpretation guidelines (Richards et al. 2015 PMID: 25741868, with internal and published modifications).

Labcorp Genetics (formerly Invitae), Labcorp
Classification: Likely benign for Juvenile polyposis syndrome. Last evaluated: 2025-12-14. Review status: criteria provided, single submitter. Criteria: Invitae Variant Classification Sherloc (09022015). Collection method: clinical testing. Allele origin: germline.

Myriad Genetics, Inc.
Classification: Benign for Juvenile polyposis/hereditary hemorrhagic telangiectasia syndrome. Last evaluated: 2025-03-18. Review status: criteria provided, single submitter. Criteria: Myriad Autosomal Dominant, Autosomal Recessive and X-Linked Classification Criteria (2023). Collection method: clinical testing. Allele origin: unknown.
Comment: This variant is considered benign. This variant is a silent/synonymous amino acid change and it is not expected to impact splicing.

All of Us Research Program, National Institutes of Health
Classification: Likely benign for Juvenile polyposis/hereditary hemorrhagic telangiectasia syndrome. Last evaluated: 2024-05-30. Review status: criteria provided, single submitter. Criteria: ACMG Guidelines, 2015. Collection method: clinical testing. Allele origin: germline. Inheritance: Autosomal dominant inheritance. Observed: 1 variant allele, 1 heterozygote.
Comment: This study involves interpretation of variants in research participants for the purpose of population health screening. Participant phenotype was not available at the time of variant classification. Additional details can be found in publication PMID: 35346344, PMCID: PMC8962531

Quest Diagnostics Nichols Institute San Juan Capistrano
Classification: Likely benign. Last evaluated: 2021-04-30. Review status: criteria provided, single submitter. Criteria: Quest Diagnostics criteria. Collection method: clinical testing. Allele origin: unknown.

Women's Health and Genetics/Laboratory Corporation of America, LabCorp
Classification: Likely benign. Last evaluated: 2019-08-29. Review status: criteria provided, single submitter. Criteria: LabCorp Variant Classification Summary - May 2015. Collection method: clinical testing. Allele origin: germline.

Color Diagnostics, LLC DBA Color Health
Classification: Likely benign for Hereditary cancer-predisposing syndrome. Last evaluated: 2018-10-30. Review status: criteria provided, single submitter. Criteria: ACMG Guidelines, 2015. Collection method: clinical testing. Allele origin: germline.

Ambry Genetics
Classification: Likely benign for Hereditary cancer-predisposing syndrome; Familial thoracic aortic aneurysm and aortic dissection. Last evaluated: 2018-06-20. Review status: criteria provided, single submitter. Criteria: Ambry Variant Classification Scheme 2023. Collection method: clinical testing. Allele origin: germline.

NM_005359.6(SMAD4):c.390A>G (p.Pro130=)

Gene: SMAD4 (SMAD family member 4; plus strand). Cytogenetic location: 18q21.2.
Variant type: single nucleotide variant.
Coding change: c.390A>G on transcript NM_005359.6 (MANE Select); coding-DNA position 390, A replaced by G.
Protein change: p.Pro130=; no amino-acid change (proline 130 retained).
Molecular consequence: synonymous variant.
Genome position (GRCh38, 1-based): chr18:51,048,826, A>G. VCF-style: chr18-51048826-A-G. GRCh37 (hg19) VCF-style: chr18-48575196-A-G.
Identifiers: ClinVar variation 460550 (VCV000460550.23), dbSNP rs755862230, ClinGen allele CA8965770.